The following is an entry in ClinVar:

ClinVar aggregate classification (germline): Uncertain significance (1 of 4 stars; one submission).

Conditions:
Inborn genetic diseases. Identifiers: MedGen C0950123, MeSH D030342.

Submission:

Ambry Genetics
Classification: Uncertain significance for Inborn genetic diseases. Last evaluated: 2023-06-24. Review status: criteria provided, single submitter. Criteria: Ambry Variant Classification Scheme 2023. Collection method: clinical testing. Allele origin: germline.
Comment: The p.S129L variant (also known as c.386C>T), located in coding exon 4 of the ATR gene, results from a C to T substitution at nucleotide position 386. The serine at codon 129 is replaced by leucine, an amino acid with dissimilar properties. This amino acid position is conserved. In addition, the in silico prediction for this alteration is inconclusive. Since supporting evidence is limited at this time, the clinical significance of this alteration remains unclear.

NM_001184.4(ATR):c.386C>T (p.Ser129Leu)

Gene: ATR (ATR checkpoint kinase; minus strand). Cytogenetic location: 3q23.
Variant type: single nucleotide variant.
Coding change: c.386C>T on transcript NM_001184.4 (MANE Select); coding-DNA position 386, C replaced by T.
Protein change: p.Ser129Leu; replaces serine 129 with leucine.
Molecular consequence: missense variant.
Genome position (GRCh38, 1-based): chr3:142,563,016, G>A on the plus strand (C>T on the coding strand, the complement: ATR is on the minus strand). VCF-style: chr3-142563016-G-A. GRCh37 (hg19) VCF-style: chr3-142281858-G-A.
Other names: c.386C>T, p.Ser129Leu (NM_001354579.2); short protein forms S129L.
Identifiers: ClinVar variation 2624940 (VCV002624940.2), dbSNP rs2473430000, ClinGen allele CA354827184.